The following is an entry in ClinVar:

NM_001367624.2(ZNF469):c.3019G>C (p.Asp1007His)

Gene: ZNF469 (zinc finger protein 469; plus strand). Cytogenetic location: 16q24.2.
Variant type: single nucleotide variant.
Coding change: c.3019G>C on transcript NM_001367624.2 (MANE Select); coding-DNA position 3019, G replaced by C.
Protein change: p.Asp1007His; replaces aspartic acid 1007 with histidine.
Molecular consequence: missense variant.
Genome position (GRCh38, 1-based): chr16:88,430,489, G>C. VCF-style: chr16-88430489-G-C. GRCh37 (hg19) VCF-style: chr16-88496897-G-C.
Other names: NM_001127464.1:c.3019G>C; short protein forms D1007H.
Identifiers: ClinVar variation 3821147 (VCV003821147.1).

ClinVar aggregate classification (germline): Uncertain significance (1 of 4 stars; one submission).

Conditions:
Cardiovascular phenotype. Identifiers: MedGen CN230736.

Submission:

Ambry Genetics
Classification: Uncertain significance for Cardiovascular phenotype. Last evaluated: 2025-02-10. Review status: criteria provided, single submitter. Criteria: Ambry Variant Classification Scheme 2023. Collection method: clinical testing. Allele origin: germline.
Comment: The p.D1007H variant (also known as c.3019G>C), located in coding exon 1 of the ZNF469 gene, results from a G to C substitution at nucleotide position 3019. The aspartic acid at codon 1007 is replaced by histidine, an amino acid with similar properties. This amino acid position is conserved. In addition, this alteration is predicted to be tolerated by in silico analysis. Based on the available evidence, the clinical significance of this variant remains unclear.